The following is an entry in ClinVar:

NM_020436.5(SALL4):c.146A>C (p.His49Pro)

Gene: SALL4 (spalt like transcription factor 4; minus strand). Cytogenetic location: 20q13.2.
Variant type: single nucleotide variant.
Coding change: c.146A>C on transcript NM_020436.5 (MANE Select); coding-DNA position 146, A replaced by C.
Protein change: p.His49Pro; replaces histidine 49 with proline.
Molecular consequence: missense variant.
Genome position (GRCh38, 1-based): chr20:51,792,337, T>G on the plus strand (A>C on the coding strand, the complement: SALL4 is on the minus strand). VCF-style: chr20-51792337-T-G. GRCh37 (hg19) VCF-style: chr20-50408876-T-G.
Other names: c.146A>C, p.His49Pro (NM_001318031.2); short protein forms H49P.
Identifiers: ClinVar variation 4278659 (VCV004278659.1).

ClinVar aggregate classification (germline): Uncertain significance (1 of 4 stars; one submission).

Submission:

GeneDx
Classification: Uncertain significance. Last evaluated: 2025-03-31. Review status: criteria provided, single submitter. Criteria: GeneDx Variant Classification Process June 2021. Collection method: clinical testing. Allele origin: germline. Affected: yes.
Comment: Not observed at significant frequency in large population cohorts (gnomAD); In silico analysis indicates that this missense variant does not alter protein structure/function; Has not been previously published as pathogenic or benign to our knowledge